The following is an entry in ClinVar:

NM_003200.5(TCF3):c.1291G>A (p.Gly431Ser)

Gene: TCF3 (transcription factor 3; minus strand). Cytogenetic location: 19p13.3.
Variant type: single nucleotide variant.
Coding change: c.1291G>A on transcript NM_003200.5 (MANE Select); coding-DNA position 1291, G replaced by A.
Protein change: p.Gly431Ser; replaces glycine 431 with serine.
Molecular consequence: missense variant.
Genome position (GRCh38, 1-based): chr19:1,619,351, C>T on the plus strand (G>A on the coding strand, the complement: TCF3 is on the minus strand). VCF-style: chr19-1619351-C-T. GRCh37 (hg19) VCF-style: chr19-1619350-C-T.
Other names: p.Gly431Ser; c.1291G>A, p.Gly431Ser (NM_001136139.4, NM_001351779.2); c.1288G>A, p.Gly430Ser (NM_001351778.2); short protein forms G430S, G431S.
Identifiers: ClinVar variation 1167884 (VCV001167884.18), dbSNP rs1052692, ClinGen allele CA9049951.

ClinVar aggregate classification (germline): Benign/Likely benign. Review status: criteria provided, multiple submitters, no conflicts (2 of 4 stars). 7 submissions from 7 submitters: Benign (4); Likely benign (2). 1 of the submissions does not count toward it. Last evaluated 2026-02-03.

Conditions:
Myeloproliferative neoplasm, unclassifiable. Identifiers: Orphanet 86830, MedGen C1333046, MONDO:0019452.

Allele frequency attached by ClinVar (database versions not stated): ESP Exome Variant Server 0.05787; TOPMed 0.07411; gnomAD exomes 0.08075 and 0.08952; ExAC 0.09749; 1000 Genomes Project 30x 0.10946; 1000 Genomes Project 0.11262.

Submissions (7):

Labcorp Genetics (formerly Invitae), Labcorp
Classification: Benign. Last evaluated: 2026-02-03. Review status: criteria provided, single submitter. Criteria: Invitae Variant Classification Sherloc (09022015). Collection method: clinical testing. Allele origin: germline.

Women's Health and Genetics/Laboratory Corporation of America, LabCorp
Classification: Likely benign. Last evaluated: 2026-01-22. Review status: criteria provided, single submitter. Criteria: LabCorp Variant Classification Summary - May 2015. Collection method: clinical testing. Allele origin: germline.

Blueprint Genetics
Classification: Likely benign. Last evaluated: 2024-11-28. Review status: criteria provided, single submitter. Criteria: ACMG Guidelines, 2015. Collection method: clinical testing. Allele origin: germline.

GeneDx
Classification: Benign. Last evaluated: 2020-04-01. Review status: criteria provided, single submitter. Criteria: GeneDx Variant Classification Process June 2021. Collection method: clinical testing. Allele origin: germline. Affected: yes.

Mayo Clinic Laboratories, Mayo Clinic
Classification: Benign. Last evaluated: 2016-10-04. Review status: criteria provided, single submitter. Criteria: ACMG Guidelines, 2015. Collection method: clinical testing. Allele origin: germline. Observed: 21 variant alleles.

Breakthrough Genomics
Classification: Benign. Review status: criteria provided, single submitter. Criteria: ACMG Guidelines, 2015. Collection method: not provided. Allele origin: germline. Inheritance: Autosomal recessive inheritance. Affected: yes.

Dept. of Cytogenetics, ICMR- National Institute of Immunohaematology
Classification: Likely pathogenic for Myeloproliferative neoplasm, unclassifiable. Last evaluated: 2022-08-25. Review status: flagged submission. Criteria: Oncogenicity SOP (ClinGen, CGC, VICC guidelines) 2022. Collection method: clinical testing. Allele origin: somatic. Affected: yes. Observed: 9 variant alleles. Not counted in ClinVar's aggregate classification.
ClinVar note: Reason: Other submission error